The following is an entry in ClinVar:

ClinVar aggregate classification (germline): Likely pathogenic (1 of 4 stars; one submission).

Submission:

Labcorp Genetics (formerly Invitae), Labcorp
Classification: Likely pathogenic. Last evaluated: 2022-06-08. Review status: criteria provided, single submitter. Criteria: Invitae Variant Classification Sherloc (09022015). Collection method: clinical testing. Allele origin: germline.
Comment: This sequence change affects a donor splice site in intron 36 of the COL27A1 gene. It is expected to disrupt RNA splicing. Variants that disrupt the donor or acceptor splice site typically lead to a loss of protein function (PMID: 16199547), and loss-of-function variants in COL27A1 are known to be pathogenic (PMID: 24986830, 28276056). In summary, the currently available evidence indicates that the variant is pathogenic, but additional data are needed to prove that conclusively. Therefore, this variant has been classified as Likely Pathogenic. Algorithms developed to predict the effect of sequence changes on RNA splicing suggest that this variant may disrupt the consensus splice site. This variant has not been reported in the literature in individuals affected with COL27A1-related conditions. This variant is not present in population databases (gnomAD no frequency).

Literature cited by the submitters: PubMed 16199547; PubMed 24986830; PubMed 28276056.

NM_032888.4(COL27A1):c.3609+2T>A

Gene: COL27A1 (collagen type XXVII alpha 1 chain; plus strand). Cytogenetic location: 9q32.
Variant type: single nucleotide variant.
Coding change: c.3609+2T>A on transcript NM_032888.4 (MANE Select); the canonical splice donor site of the intron after coding-DNA position 3609, T replaced by A.
Molecular consequence: splice donor variant.
Genome position (GRCh38, 1-based): chr9:114,270,783, T>A. VCF-style: chr9-114270783-T-A. GRCh37 (hg19) VCF-style: chr9-117033063-T-A.
Identifiers: ClinVar variation 2100911 (VCV002100911.4), dbSNP rs2491450507, ClinGen allele CA374597891.